The following is an entry in ClinVar:

ClinVar aggregate classification (germline): Uncertain significance (1 of 4 stars; one submission).

Conditions:
Limb-girdle muscular dystrophy due to POMK deficiency. Also called: MUSCULAR DYSTROPHY-DYSTROGLYCANOPATHY, LIMB-GIRDLE, POMK-RELATED; Muscular dystrophy-dystroglycanopathy (limb-girdle), type c, 12. Identifiers: Orphanet 445110, MedGen C4015184, MONDO:0014489, OMIM 616094.
Muscular dystrophy-dystroglycanopathy (congenital with brain and eye anomalies), type a, 12 (MDDGA12). Also called: WALKER-WARBURG SYNDROME OR MUSCLE-EYE-BRAIN DISEASE, POMK-RELATED. Identifiers: Orphanet 899, MedGen C3808964, MONDO:0014101, OMIM 615249.

Submission:

Labcorp Genetics (formerly Invitae), Labcorp
Classification: Uncertain significance for Muscular dystrophy-dystroglycanopathy (congenital with brain and eye anomalies), type a, 12; Limb-girdle muscular dystrophy due to POMK deficiency. Last evaluated: 2021-10-03. Review status: criteria provided, single submitter. Criteria: Invitae Variant Classification Sherloc (09022015). Collection method: clinical testing. Allele origin: germline.
Comment: This sequence change replaces methionine with leucine at codon 273 of the POMK protein (p.Met273Leu). The methionine residue is highly conserved and there is a small physicochemical difference between methionine and leucine. This variant is not present in population databases (ExAC no frequency). This variant has not been reported in the literature in individuals affected with POMK-related conditions. Algorithms developed to predict the effect of missense changes on protein structure and function are either unavailable or do not agree on the potential impact of this missense change (SIFT: "Deleterious"; PolyPhen-2: "Possibly Damaging"; Align-GVGD: "Class C0"). In summary, the available evidence is currently insufficient to determine the role of this variant in disease. Therefore, it has been classified as a Variant of Uncertain Significance.

NM_032237.5(POMK):c.817A>T (p.Met273Leu)

Gene: POMK (protein O-mannose kinase; plus strand). Cytogenetic location: 8p11.21.
Variant type: single nucleotide variant.
Coding change: c.817A>T on transcript NM_032237.5 (MANE Select); coding-DNA position 817, A replaced by T.
Protein change: p.Met273Leu; replaces methionine 273 with leucine.
Molecular consequence: missense variant.
Genome position (GRCh38, 1-based): chr8:43,122,641, A>T. VCF-style: chr8-43122641-A-T. GRCh37 (hg19) VCF-style: chr8-42977784-A-T.
Other names: c.817A>T, p.Met273Leu (NM_001277971.2); short protein forms M273L.
Identifiers: ClinVar variation 1478091 (VCV001478091.3), dbSNP rs1344780295, ClinGen allele CA371122734.
Genomic context (GRCh38, chr8:43,122,641, plus strand): 5'-TTCGTGGCTCCAGAGCAACTGTGGCCCTATGGAGAGGACGTGCCTTTCCACGATGATCTC[A>T]TGCCCTCATATGATGAGAAGATTGACATTTGGAAGATCCCAGACATCTCCAGTTTCCTTC-3'
Protein context (NP_115613.1, residues 263-283): GEDVPFHDDL[Met273Leu]PSYDEKIDIW